The following is an entry in ClinVar:

NM_001374828.1(ARID1B):c.5317G>T (p.Glu1773Ter)

Gene: ARID1B (AT-rich interaction domain 1B; plus strand). Cytogenetic location: 6q25.3.
Variant type: single nucleotide variant.
Coding change: c.5317G>T on transcript NM_001374828.1 (MANE Select); coding-DNA position 5317, G replaced by T.
Protein change: p.Glu1773Ter; replaces glutamic acid 1773 with a stop codon.
Molecular consequence: nonsense.
Genome position (GRCh38, 1-based): chr6:157,203,919, G>T. VCF-style: chr6-157203919-G-T. GRCh37 (hg19) VCF-style: chr6-157525053-G-T.
Other names: c.2818G>T, p.Glu940Ter (NM_001363725.2); c.5197G>T, p.Glu1733Ter (NM_001371656.1, NM_001374820.1); c.5158G>T, p.Glu1720Ter (NM_017519.3); short protein forms E1720*, E1733*, E1773*, E940*.
Identifiers: ClinVar variation 3901081 (VCV003901081.1).
Genomic context (GRCh38, chr6:157,203,919, plus strand): 5'-TCTTCAGTTACTCCTGAGGCGTGGCGTGTGATGATGTCCCTTAAATCAGGTCTTTTGGCT[G>T]AGAGTACGTGGGCTTTGGACACTATTAATATTCTTCTGTATGATGACAGCACTGTTGCTA-3'

ClinVar aggregate classification (germline): Likely pathogenic (1 of 4 stars; one submission).

Conditions:
Coffin-Siris syndrome 1 (CSS1). Also called: Mental retardation, autosomal dominant 12; ARID1B-Related Coffin-Siris Syndrome. Identifiers: Orphanet 1465, MedGen C3281201, MONDO:0007617, OMIM 135900. Disease mechanism: gain of function.

Submission:

Laboratorio de Genetica e Diagnostico Molecular, Hospital Israelita Albert Einstein
Classification: Likely pathogenic for Coffin-Siris syndrome 1. Last evaluated: 2025-03-13. Review status: criteria provided, single submitter. Criteria: ACMG Guidelines, 2015. Collection method: clinical testing. Allele origin: germline. Affected: yes.
Comment: ACMG classification criteria: PVS1 very strong, PM2 supporting